The following is an entry in ClinVar:

NM_001365088.1(SLC12A6):c.1172C>G (p.Ser391Cys)

Gene: SLC12A6 (solute carrier family 12 member 6; minus strand). Cytogenetic location: 15q14.
Variant type: single nucleotide variant.
Coding change: c.1172C>G on transcript NM_001365088.1 (MANE Select); coding-DNA position 1172, C replaced by G.
Protein change: p.Ser391Cys; replaces serine 391 with cysteine.
Molecular consequence: missense variant.
Genome position (GRCh38, 1-based): chr15:34,252,331, G>C on the plus strand (C>G on the coding strand, the complement: SLC12A6 is on the minus strand). VCF-style: chr15-34252331-G-C. GRCh37 (hg19) VCF-style: chr15-34544532-G-C.
Other names: c.995C>G, p.Ser332Cys (NM_001042494.2, NM_001042495.2); c.1145C>G, p.Ser382Cys (NM_001042496.2); c.1127C>G, p.Ser376Cys (NM_001042497.2); c.1019C>G, p.Ser340Cys (NM_005135.2); c.1172C>G, p.Ser391Cys (NM_133647.2); short protein forms S340C, S332C, S376C, S391C, S382C.
Identifiers: ClinVar variation 2183656 (VCV002183656.4), dbSNP rs758731032, ClinGen allele CA391607571.

ClinVar aggregate classification (germline): Uncertain significance (1 of 4 stars; one submission).

Allele frequency attached by ClinVar (database versions not stated): TOPMed below 0.00001.
gnomAD v4.1: 4 of 1,613,232 alleles (0.00025%); highest among the groups gnomAD compares: Non-Finnish European, 0.00034%; no homozygotes.

Submission:

Labcorp Genetics (formerly Invitae), Labcorp
Classification: Uncertain significance. Last evaluated: 2025-05-16. Review status: criteria provided, single submitter. Criteria: Invitae Variant Classification Sherloc (09022015). Collection method: clinical testing. Allele origin: germline.
Comment: This sequence change replaces serine, which is neutral and polar, with cysteine, which is neutral and slightly polar, at codon 391 of the SLC12A6 protein (p.Ser391Cys). This variant is not present in population databases (gnomAD no frequency). This variant has not been reported in the literature in individuals affected with SLC12A6-related conditions. ClinVar contains an entry for this variant (Variation ID: 2183656). Invitae Evidence Modeling of protein sequence and biophysical properties (such as structural, functional, and spatial information, amino acid conservation, physicochemical variation, residue mobility, and thermodynamic stability) indicates that this missense variant is not expected to disrupt SLC12A6 protein function with a negative predictive value of 80%. In summary, the available evidence is currently insufficient to determine the role of this variant in disease. Therefore, it has been classified as a Variant of Uncertain Significance.